The following is an entry in ClinVar:

ClinVar aggregate classification (germline): Likely pathogenic (1 of 4 stars; one submission).

Conditions:
Pancreatic agenesis 1 (PAGEN1). Also called: PANCREATIC HYPOPLASIA, CONGENITAL. Identifiers: Orphanet 2805, MedGen C3891828, MONDO:0024547, OMIM 260370.

gnomAD v4.1: 2 of 1,612,916 alleles (0.00012%); highest among the groups gnomAD compares: Non-Finnish European, 0.00017%; no homozygotes.

Submission:

First Genomix Gene Laboratory, Genetic Diagnostics Department
Classification: Likely pathogenic for Pancreatic agenesis 1. Last evaluated: 2025-08-05. Review status: criteria provided, single submitter. Criteria: ACMG Guidelines, 2015. Collection method: clinical testing. Allele origin: germline. Inheritance: Autosomal recessive inheritance. Affected: no. Observed: 1 variant allele.

NM_000209.4(PDX1):c.406+2T>C

Gene: PDX1 (pancreatic and duodenal homeobox 1; plus strand). Cytogenetic location: 13q12.2.
Variant type: single nucleotide variant.
Coding change: c.406+2T>C on transcript NM_000209.4 (MANE Select); the canonical splice donor site of the intron after coding-DNA position 406, T replaced by C.
Molecular consequence: splice donor variant.
Genome position (GRCh38, 1-based): chr13:27,920,546, T>C. VCF-style: chr13-27920546-T-C. GRCh37 (hg19) VCF-style: chr13-28494683-T-C.
Identifiers: ClinVar variation 4850590 (VCV004850590.1).
Genomic context (GRCh38, chr13:27,920,546, plus strand): 5'-GCTGCCTTTCCCATGGATGAAGTCTACCAAAGCTCACGCGTGGAAAGGCCAGTGGGCAGG[T>C]AAGCCTGGCTCCCCACCCCTTTCTCCTTTCCGGTTCTCACCCGGCCGCCTTACCTCCAAG-3'